The following is an entry in ClinVar:

NM_004304.5(ALK):c.1954T>G (p.Ser652Ala)

Gene: ALK (ALK receptor tyrosine kinase; minus strand). Cytogenetic location: 2p23.2.
Variant type: single nucleotide variant.
Coding change: c.1954T>G on transcript NM_004304.5 (MANE Select); coding-DNA position 1954, T replaced by G.
Protein change: p.Ser652Ala; replaces serine 652 with alanine.
Molecular consequence: missense variant.
Genome position (GRCh38, 1-based): chr2:29,275,186, A>C on the plus strand (T>G on the coding strand, the complement: ALK is on the minus strand). VCF-style: chr2-29275186-A-C. GRCh37 (hg19) VCF-style: chr2-29498052-A-C.
Other names: short protein forms S652A.
Identifiers: ClinVar variation 2586713 (VCV002586713.2), dbSNP rs2148215120, ClinGen allele CA346479745.

ClinVar aggregate classification (germline): Uncertain significance (1 of 4 stars; one submission).

Conditions:
Hereditary cancer-predisposing syndrome. Also called: Hereditary neoplastic syndrome; Tumor predisposition; Hereditary Cancer Syndrome; Neoplastic Syndromes, Hereditary. Identifiers: Orphanet 140162, MedGen C0027672, MeSH D009386, MONDO:0015356.

Submission:

Ambry Genetics
Classification: Uncertain significance for Hereditary cancer-predisposing syndrome. Last evaluated: 2023-09-07. Review status: criteria provided, single submitter. Criteria: Ambry Variant Classification Scheme 2023. Collection method: clinical testing. Allele origin: germline.
Comment: The p.S652A variant (also known as c.1954T>G), located in coding exon 11 of the ALK gene, results from a T to G substitution at nucleotide position 1954. The serine at codon 652 is replaced by alanine, an amino acid with similar properties. This amino acid position is conserved. In addition, the in silico prediction for this alteration is inconclusive. Since supporting evidence is limited at this time, the clinical significance of this alteration remains unclear.